The following is an entry in ClinVar:

ClinVar aggregate classification (germline): Pathogenic (1 of 4 stars; one submission).

Conditions:
Combined oxidative phosphorylation defect type 14. Also called: Combined oxidative phosphorylation deficiency 14. Identifiers: Orphanet 319519, MedGen C4755312, MONDO:0013986, OMIM 614946.

Allele frequency attached by ClinVar (database versions not stated): TOPMed 0.00001.

Submission:

Labcorp Genetics (formerly Invitae), Labcorp
Classification: Pathogenic for Combined oxidative phosphorylation defect type 14. Last evaluated: 2023-02-08. Review status: criteria provided, single submitter. Criteria: Invitae Variant Classification Sherloc (09022015). Collection method: clinical testing. Allele origin: germline.
Comment: For these reasons, this variant has been classified as Pathogenic. This premature translational stop signal has been observed in individual(s) with mitochondrial encephalopathy (PMID: 33176815). This variant is not present in population databases (gnomAD no frequency). This sequence change creates a premature translational stop signal (p.Leu168Thrfs*9) in the FARS2 gene. It is expected to result in an absent or disrupted protein product. Loss-of-function variants in FARS2 are known to be pathogenic (PMID: 22833457).

Literature cited by the submitters: PubMed 33176815; PubMed 22833457.

NM_006567.5(FARS2):c.497dup (p.Leu168fs)

Genes: FARS2 (phenylalanyl-tRNA synthetase 2, mitochondrial; plus strand), LOC126859565 (CDK7 strongly-dependent group 2 enhancer GRCh37_chr6:5368745-5369944; plus strand). Cytogenetic location: 6p25.1.
Variant type: Duplication.
Coding change: c.497dup on transcript NM_006567.5 (MANE Select); coding-DNA position 497, one base duplicated (C; older notation c.497dupC).
Protein change: p.Leu168fs; shifts the reading frame from leucine 168.
Molecular consequence: frameshift variant. On other transcripts: intron variant (2).
Genome position (GRCh38, 1-based): chr6:5,369,067, C duplicated. VCF-style (leftmost placement, unchanged base first): chr6-5369066-G-GC. GRCh37 (hg19) VCF-style: chr6-5369299-G-GC.
Other names: c.497dup, p.Leu168fs (NM_001318872.2, NM_001374875.1, NM_001374876.1 and 5 more transcripts); c.-340-27566dup (NM_001375260.1); c.-84-35475dup (NM_001375259.1); short protein forms L168fs.
Identifiers: ClinVar variation 2092976 (VCV002092976.4), dbSNP rs1470688849, ClinGen allele CA825822598.
Genomic context (GRCh38, chr6:5,369,066, plus strand): 5'-CTGAATCGGACTCACATGCTGAGAGCGCACACGTCTGCACACCAGTGGGACTTGCTGCAC[G>GC]CGGGACTGGATGCCTTCCTGGTGGTGGGTGATGTCTACAGGCGTGACCAGATCGACTCCC-3'